The following is an entry in ClinVar:

ClinVar aggregate classification (germline): Uncertain significance. Review status: criteria provided, multiple submitters, no conflicts (2 of 4 stars). 3 submissions from 3 submitters: Uncertain significance (3). Last evaluated 2026-04-13.

Conditions:
Inborn genetic diseases. Identifiers: MedGen C0950123, MeSH D030342.

gnomAD v4.1: 15 of 1,613,194 alleles (0.00093%); highest among the groups gnomAD compares: South Asian, 0.0044%; no homozygotes.

Submissions (3):

GeneDx
Classification: Uncertain significance. Last evaluated: 2026-04-13. Review status: criteria provided, single submitter. Criteria: GeneDx Variant Classification Process June 2021. Collection method: clinical testing. Allele origin: germline.
Comment: In silico analysis suggests that this missense variant does not alter protein structure/function; Has not been previously published as pathogenic or benign to our knowledge

Ambry Genetics
Classification: Uncertain significance for Inborn genetic diseases. Last evaluated: 2024-09-08. Review status: criteria provided, single submitter. Criteria: Ambry Variant Classification Scheme 2023. Collection method: clinical testing. Allele origin: germline.

Blueprint Genetics
Classification: Uncertain significance. Last evaluated: 2022-04-19. Review status: criteria provided, single submitter. Criteria: ACMG Guidelines, 2015. Collection method: clinical testing. Allele origin: germline.

NM_006005.3(WFS1):c.526G>A (p.Val176Met)

Gene: WFS1 (wolframin ER transmembrane glycoprotein; plus strand). Cytogenetic location: 4p16.1.
Variant type: single nucleotide variant.
Coding change: c.526G>A on transcript NM_006005.3 (MANE Select); coding-DNA position 526, G replaced by A.
Protein change: p.Val176Met; replaces valine 176 with methionine.
Molecular consequence: missense variant.
Genome position (GRCh38, 1-based): chr4:6,291,262, G>A. VCF-style: chr4-6291262-G-A. GRCh37 (hg19) VCF-style: chr4-6292989-G-A.
Other names: c.526G>A, p.Val176Met (NM_001145853.1); short protein forms V176M.
Identifiers: ClinVar variation 3469926 (VCV003469926.3).
Genomic context (GRCh38, chr4:6,291,262, plus strand): 5'-ACGTCCGAGAACGAACGGGAGGTGAGGCAGCTCTCCTCCGAGACCGACCTGGAGAGGGCC[G>A]TGCGCAAGGCAGCCCTGGTCATGTACTGGAAGCTCAACCCCAAGAAGAAGAAGCAGGTGG-3'
Protein context (NP_005996.2, residues 166-186): LSSETDLERA[Val176Met]RKAALVMYWK